The following is an entry in ClinVar:

NM_001041.4(SI):c.1146+9A>G

Gene: SI (sucrase-isomaltase; minus strand). Cytogenetic location: 3q26.1.
Variant type: single nucleotide variant.
Coding change: c.1146+9A>G on transcript NM_001041.4 (MANE Select); 9 bases into the intron after coding-DNA position 1146, A replaced by G.
Molecular consequence: intron variant.
Genome position (GRCh38, 1-based): chr3:165,059,893, T>C on the plus strand (A>G on the coding strand, the complement: SI is on the minus strand). VCF-style: chr3-165059893-T-C. GRCh37 (hg19) VCF-style: chr3-164777681-T-C.
Identifiers: ClinVar variation 729131 (VCV000729131.12), dbSNP rs114930150, ClinGen allele CA2691182.

ClinVar aggregate classification (germline): Benign/Likely benign. Review status: criteria provided, multiple submitters, no conflicts (2 of 4 stars). 3 submissions from 3 submitters: Benign (1); Likely benign (1). 1 of the submissions does not count toward it. Last evaluated 2026-01-28.

Conditions:
SI-related disorder. Also called: SI-related condition.

Allele frequency attached by ClinVar (database versions not stated): gnomAD exomes 0.00011 and 0.00028; ExAC 0.00034; ESP Exome Variant Server 0.00069; TOPMed 0.00102; gnomAD 0.00109 and 0.00113; 1000 Genomes Project 30x 0.00187; 1000 Genomes Project 0.00220.
gnomAD v4.1: 336 of 1,610,402 alleles (0.021%); highest among the groups gnomAD compares: African/African-American, 0.38%; no homozygotes.

Submissions (3):

Labcorp Genetics (formerly Invitae), Labcorp
Classification: Benign. Last evaluated: 2026-01-28. Review status: criteria provided, single submitter. Criteria: Invitae Variant Classification Sherloc (09022015). Collection method: clinical testing. Allele origin: germline.

Blueprint Genetics
Classification: Likely benign. Last evaluated: 2023-11-20. Review status: criteria provided, single submitter. Criteria: ACMG Guidelines, 2015. Collection method: clinical testing. Allele origin: germline.

PreventionGenetics, part of Exact Sciences
Classification: Likely benign for SI-related condition. Last evaluated: 2019-09-26. Review status: no assertion criteria provided. Collection method: clinical testing. Allele origin: germline. Not counted in ClinVar's aggregate classification.
Comment: This variant is classified as likely benign based on ACMG/AMP sequence variant interpretation guidelines (Richards et al. 2015 PMID: 25741868, with internal and published modifications).